The following is an entry in ClinVar:

NM_001165963.4(SCN1A):c.94G>A (p.Glu32Lys)

Gene: SCN1A (sodium voltage-gated channel alpha subunit 1; minus strand). Cytogenetic location: 2q24.3.
Variant type: single nucleotide variant.
Coding change: c.94G>A on transcript NM_001165963.4 (MANE Select); coding-DNA position 94, G replaced by A.
Protein change: p.Glu32Lys; replaces glutamic acid 32 with lysine.
Molecular consequence: missense variant. On other transcripts: 5 prime UTR variant (1), non-coding transcript variant (1).
Genome position (GRCh38, 1-based): chr2:166,073,528, C>T on the plus strand (G>A on the coding strand, the complement: SCN1A is on the minus strand). VCF-style: chr2-166073528-C-T. GRCh37 (hg19) VCF-style: chr2-166930038-C-T.
Other names: c.94G>A, p.Glu32Lys (NM_001165964.3, NM_001202435.3, NM_001353948.2 and 10 more transcripts); c.-2332G>A (NM_001353961.2); short protein forms E32K.
Identifiers: ClinVar variation 2015531 (VCV002015531.4), dbSNP rs1553560889, ClinGen allele CA349243270.

ClinVar aggregate classification (germline): Uncertain significance (1 of 4 stars; one submission).

Conditions:
Early-infantile DEE. Also called: Early infantile epileptic encephalopathy; Ohtahara syndrome; Early infantile epileptic encephalopathy with suppression bursts. Identifiers: Orphanet 1934, MedGen C0393706, MONDO:0800491.

Submission:

Labcorp Genetics (formerly Invitae), Labcorp
Classification: Uncertain significance for Early-infantile DEE. Last evaluated: 2022-07-25. Review status: criteria provided, single submitter. Criteria: Invitae Variant Classification Sherloc (09022015). Collection method: clinical testing. Allele origin: germline.
Comment: Algorithms developed to predict the effect of missense changes on protein structure and function are either unavailable or do not agree on the potential impact of this missense change (SIFT: "Deleterious"; PolyPhen-2: "Benign"; Align-GVGD: "Class C55"). In summary, the available evidence is currently insufficient to determine the role of this variant in disease. Therefore, it has been classified as a Variant of Uncertain Significance. This variant has not been reported in the literature in individuals affected with SCN1A-related conditions. This variant is not present in population databases (gnomAD no frequency). This sequence change replaces glutamic acid, which is acidic and polar, with lysine, which is basic and polar, at codon 32 of the SCN1A protein (p.Glu32Lys).